The following is an entry in ClinVar:

NM_015192.4(PLCB1):c.724G>A (p.Val242Ile)

Gene: PLCB1 (phospholipase C beta 1; plus strand). Cytogenetic location: 20p12.3.
Variant type: single nucleotide variant.
Coding change: c.724G>A on transcript NM_015192.4 (MANE Select); coding-DNA position 724, G replaced by A.
Protein change: p.Val242Ile; replaces valine 242 with isoleucine.
Molecular consequence: missense variant.
Genome position (GRCh38, 1-based): chr20:8,658,566, G>A. VCF-style: chr20-8658566-G-A. GRCh37 (hg19) VCF-style: chr20-8639213-G-A.
Other names: p.Val242Ile; c.724G>A, p.Val242Ile (NM_182734.3); short protein forms V242I.
Identifiers: ClinVar variation 339500 (VCV000339500.23), dbSNP rs200567140, ClinGen allele CA9759817.
Genomic context (GRCh38, chr20:8,658,566, plus strand): 5'-ATTCTTATTGCTTGGTTTTTCATTGTTTTTAGTGGTGCAAAAAGCAAACCATATCTTACC[G>A]TTGATCAGATGATGGATTTTATCAACCTTAAGCAGCGAGATCCTCGGCTTAATGAAATAC-3'
Protein context (NP_056007.1, residues 232-252): FGAKSKPYLT[Val242Ile]DQMMDFINLK

ClinVar aggregate classification (germline): Conflicting classifications of pathogenicity. Review status: criteria provided, conflicting classifications (1 of 4 stars). 5 submissions from 5 submitters: Uncertain significance (2); Likely benign (2). 1 of the submissions does not count toward it. Last evaluated 2025-10-27.

Conditions:
Inborn genetic diseases. Identifiers: MedGen C0950123, MeSH D030342.
PLCB1-related disorder. Also called: PLCB1-related condition.
Developmental and epileptic encephalopathy, 12 (DEE12). Identifiers: MedGen C3150988, MONDO:0013389, OMIM 613722.

Allele frequency attached by ClinVar (database versions not stated): gnomAD exomes 0.00011 and 0.00054; gnomAD 0.00013; TOPMed 0.00029; 1000 Genomes Project 0.00040; 1000 Genomes Project 30x 0.00047; ExAC 0.00066.
gnomAD v4.1: 180 of 1,610,192 alleles (0.011%); highest among the groups gnomAD compares: Admixed American, 0.22%; 1 homozygote.

Submissions (5):

Labcorp Genetics (formerly Invitae), Labcorp
Classification: Likely benign for Developmental and epileptic encephalopathy, 12. Last evaluated: 2025-10-27. Review status: criteria provided, single submitter. Criteria: Invitae Variant Classification Sherloc (09022015). Collection method: clinical testing. Allele origin: germline.

Mayo Clinic Laboratories, Mayo Clinic
Classification: Likely benign. Last evaluated: 2025-01-03. Review status: criteria provided, single submitter. Criteria: ACMG Guidelines, 2015. Collection method: clinical testing. Allele origin: germline. Observed: 1 variant allele.
Comment: BS1, BP4_moderate

Ambry Genetics
Classification: Uncertain significance for Inborn genetic diseases. Last evaluated: 2018-11-27. Review status: criteria provided, single submitter. Criteria: Ambry Variant Classification Scheme 2023. Collection method: clinical testing. Allele origin: germline.
Comment: The p.V242I variant (also known as c.724G>A), located in coding exon 9 of the PLCB1 gene, results from a G to A substitution at nucleotide position 724. The valine at codon 242 is replaced by isoleucine, an amino acid with highly similar properties. This amino acid position is well conserved in available vertebrate species. In addition, this alteration is predicted to be tolerated by in silico analysis. Since supporting evidence is limited at this time, the clinical significance of this alteration remains unclear.

Illumina Laboratory Services, Illumina
Classification: Uncertain significance for Developmental and epileptic encephalopathy, 12. Last evaluated: 2018-01-12. Review status: criteria provided, single submitter. Criteria: ICSL Variant Classification Criteria 13 December 2019. Collection method: clinical testing. Allele origin: germline.

PreventionGenetics, part of Exact Sciences
Classification: Likely benign for PLCB1-related condition. Last evaluated: 2024-08-07. Review status: no assertion criteria provided. Collection method: clinical testing. Allele origin: germline. Not counted in ClinVar's aggregate classification.
Comment: This variant is classified as likely benign based on ACMG/AMP sequence variant interpretation guidelines (Richards et al. 2015 PMID: 25741868, with internal and published modifications).